The following is an entry in ClinVar:

NM_024301.5(FKRP):c.188T>C (p.Val63Ala)

Gene: FKRP (fukutin related protein; plus strand). Cytogenetic location: 19q13.32.
Variant type: single nucleotide variant.
Coding change: c.188T>C on transcript NM_024301.5 (MANE Select); coding-DNA position 188, T replaced by C.
Protein change: p.Val63Ala; replaces valine 63 with alanine.
Molecular consequence: missense variant.
Genome position (GRCh38, 1-based): chr19:46,755,638, T>C. VCF-style: chr19-46755638-T-C. GRCh37 (hg19) VCF-style: chr19-47258895-T-C.
Other names: c.188T>C, p.Val63Ala (NM_001039885.3); short protein forms V63A.
Identifiers: ClinVar variation 1500022 (VCV001500022.8), dbSNP rs2122610495, ClinGen allele CA406494836.
Genomic context (GRCh38, chr19:46,755,638, plus strand): 5'-CTGCTGCCGGCCCCCGTGTCACCGTCCTGGTGCGGGAGTTCGAGGCATTTGACAACGCGG[T>C]GCCCGAGCTGGTAGACTCCTTCCTGCAGCAAGACCCAGCCCAGCCCGTGGTGGTGGCAGC-3'
Protein context (NP_077277.1, residues 53-73): VREFEAFDNA[Val63Ala]PELVDSFLQQ

ClinVar aggregate classification (germline): Uncertain significance (1 of 4 stars; one submission).

Conditions:
Walker-Warburg congenital muscular dystrophy. Also called: Muscular dystrophy-dystroglycanopathy, type A; Walker-Warburg syndrome. Identifiers: Orphanet 899, MedGen C0265221, MONDO:0000171.

Submission:

Labcorp Genetics (formerly Invitae), Labcorp
Classification: Uncertain significance for Walker-Warburg congenital muscular dystrophy. Last evaluated: 2020-11-15. Review status: criteria provided, single submitter. Criteria: Invitae Variant Classification Sherloc (09022015). Collection method: clinical testing. Allele origin: germline.
Comment: This sequence change replaces valine with alanine at codon 63 of the FKRP protein (p.Val63Ala). The valine residue is moderately conserved and there is a small physicochemical difference between valine and alanine. This variant is not present in population databases (ExAC no frequency). This variant has not been reported in the literature in individuals with FKRP-related conditions. Algorithms developed to predict the effect of missense changes on protein structure and function are either unavailable or do not agree on the potential impact of this missense change (SIFT: "Deleterious"; PolyPhen-2: "Benign"; Align-GVGD: "Class C0"). In summary, the available evidence is currently insufficient to determine the role of this variant in disease. Therefore, it has been classified as a Variant of Uncertain Significance.